The following is an entry in ClinVar:

NM_000127.3(EXT1):c.393C>A (p.Tyr131Ter)

Gene: EXT1 (exostosin glycosyltransferase 1; minus strand). Cytogenetic location: 8q24.11.
Variant type: single nucleotide variant.
Coding change: c.393C>A on transcript NM_000127.3 (MANE Select); coding-DNA position 393, C replaced by A.
Protein change: p.Tyr131Ter; replaces tyrosine 131 with a stop codon.
Molecular consequence: nonsense.
Genome position (GRCh38, 1-based): chr8:118,110,654, G>T on the plus strand (C>A on the coding strand, the complement: EXT1 is on the minus strand). VCF-style: chr8-118110654-G-T. GRCh37 (hg19) VCF-style: chr8-119122893-G-T.
Other names: short protein forms Y131*.
Identifiers: ClinVar variation 1073635 (VCV001073635.9), dbSNP rs2130043699, ClinGen allele CA371915950.

ClinVar aggregate classification (germline): Pathogenic (1 of 4 stars; one submission).

Conditions:
Multiple congenital exostosis (EXT). Also called: Multiple osteochondromas; MULTIPLE CARTILAGINOUS EXOSTOSES; Hereditary multiple exostoses; Hereditary multiple exostosis; Multiple exostoses; Hereditary multiple osteochondromas. Identifiers: Orphanet 321, MedGen C0015306, MONDO:0005508, HP:0002762.

Submission:

Labcorp Genetics (formerly Invitae), Labcorp
Classification: Pathogenic for Multiple congenital exostosis. Last evaluated: 2024-10-22. Review status: criteria provided, single submitter. Criteria: Invitae Variant Classification Sherloc (09022015). Collection method: clinical testing. Allele origin: germline.
Comment: This sequence change creates a premature translational stop signal (p.Tyr131*) in the EXT1 gene. It is expected to result in an absent or disrupted protein product. Loss-of-function variants in EXT1 are known to be pathogenic (PMID: 10679937, 11391482, 19810120). This variant is not present in population databases (gnomAD no frequency). This premature translational stop signal has been observed in individual(s) with multiple hereditary exostoses (PMID: 25541963). ClinVar contains an entry for this variant (Variation ID: 1073635). For these reasons, this variant has been classified as Pathogenic.

Literature cited by the submitters: PubMed 10679937; PubMed 11391482; PubMed 19810120; PubMed 25541963.